The following is an entry in ClinVar:

ClinVar aggregate classification (germline): Uncertain significance (1 of 4 stars; one submission).

Submission:

Labcorp Genetics (formerly Invitae), Labcorp
Classification: Uncertain significance. Last evaluated: 2024-04-06. Review status: criteria provided, single submitter. Criteria: Invitae Variant Classification Sherloc (09022015). Collection method: clinical testing. Allele origin: germline.
Comment: This sequence change replaces glutamic acid, which is acidic and polar, with alanine, which is neutral and non-polar, at codon 93 of the GHR protein (p.Glu93Ala). This variant is not present in population databases (gnomAD no frequency). This variant has not been reported in the literature in individuals affected with GHR-related conditions. An algorithm developed to predict the effect of missense changes on protein structure and function (PolyPhen-2) suggests that this variant is likely to be tolerated. In summary, the available evidence is currently insufficient to determine the role of this variant in disease. Therefore, it has been classified as a Variant of Uncertain Significance.

NM_000163.5(GHR):c.278A>C (p.Glu93Ala)

Gene: GHR (growth hormone receptor; plus strand). Cytogenetic location: 5p12.
Variant type: single nucleotide variant.
Coding change: c.278A>C on transcript NM_000163.5 (MANE Select); coding-DNA position 278, A replaced by C.
Protein change: p.Glu93Ala; replaces glutamic acid 93 with alanine.
Molecular consequence: missense variant.
Genome position (GRCh38, 1-based): chr5:42,694,928, A>C. VCF-style: chr5-42694928-A-C. GRCh37 (hg19) VCF-style: chr5-42695030-A-C.
Other names: c.278A>C, p.Glu93Ala (NM_001242401.4, NM_001242402.2, NM_001242403.3 and 5 more transcripts); c.212A>C, p.Glu71Ala (NM_001242460.2); c.299A>C, p.Glu100Ala (NM_001242399.2); short protein forms E71A, E100A, E93A.
Identifiers: ClinVar variation 3684170 (VCV003684170.2).